The following is an entry in ClinVar:

NM_001008212.2(OPTN):c.480C>T (p.Ile160=)

Gene: OPTN (optineurin; plus strand). Cytogenetic location: 10p13.
Variant type: single nucleotide variant.
Coding change: c.480C>T on transcript NM_001008212.2 (MANE Select); coding-DNA position 480, C replaced by T.
Protein change: p.Ile160=; no amino-acid change (isoleucine 160 retained).
Molecular consequence: synonymous variant.
Genome position (GRCh38, 1-based): chr10:13,112,563, C>T. VCF-style: chr10-13112563-C-T. GRCh37 (hg19) VCF-style: chr10-13154563-C-T.
Other names: c.480C>T, p.Ile160= (NM_001008211.1, NM_001008213.1, NM_021980.4).
Identifiers: ClinVar variation 1569981 (VCV001569981.9), dbSNP rs146593599, ClinGen allele CA5410634.

ClinVar aggregate classification (germline): Likely benign. Review status: criteria provided, multiple submitters, no conflicts (2 of 4 stars). 2 submissions from 2 submitters: Likely benign (2). Last evaluated 2025-12-09.

Conditions:
OPTN-related disorder. Also called: OPTN-related condition; OPTN-related disorders.
Primary open angle glaucoma (POAG). Also called: OPTN-related open angle glaucoma. Identifiers: MedGen C0339573, MONDO:0100553, OMIM 137760.
Amyotrophic lateral sclerosis type 12 (ALS12). Also called: AMYOTROPHIC LATERAL SCLEROSIS 12 WITH OR WITHOUT FRONTOTEMPORAL DEMENTIA. Identifiers: Orphanet 803, MedGen C3150692, MONDO:0013264, OMIM 613435.
Glaucoma 1, open angle, E. Identifiers: MedGen C1842026, MONDO:0007665.

Allele frequency attached by ClinVar (database versions not stated): ExAC 0.00001; gnomAD 0.00002; TOPMed 0.00002; ESP Exome Variant Server 0.00008.

Submissions (2):

PreventionGenetics, part of Exact Sciences
Classification: Likely benign for OPTN-related condition. Last evaluated: 2025-12-09. Review status: criteria provided, single submitter. Criteria: ACMG Guidelines, 2015. Collection method: clinical testing. Allele origin: germline.
Comment: This variant is classified as likely benign based on ACMG/AMP sequence variant interpretation guidelines (Richards et al. 2015 PMID: 25741868, with internal and published modifications).

Labcorp Genetics (formerly Invitae), Labcorp
Classification: Likely benign for Primary open angle glaucoma; Glaucoma 1, open angle, E; Amyotrophic lateral sclerosis type 12. Last evaluated: 2021-04-16. Review status: criteria provided, single submitter. Criteria: Invitae Variant Classification Sherloc (09022015). Collection method: clinical testing. Allele origin: germline.